The following is an entry in ClinVar:

NM_133259.4(LRPPRC):c.2079+6A>G

Gene: LRPPRC (leucine rich pentatricopeptide repeat containing; minus strand). Cytogenetic location: 2p21.
Variant type: single nucleotide variant.
Coding change: c.2079+6A>G on transcript NM_133259.4 (MANE Select); 6 bases into the intron after coding-DNA position 2079, A replaced by G.
Molecular consequence: intron variant.
Genome position (GRCh38, 1-based): chr2:43,947,251, T>C on the plus strand (A>G on the coding strand, the complement: LRPPRC is on the minus strand). VCF-style: chr2-43947251-T-C. GRCh37 (hg19) VCF-style: chr2-44174390-T-C.
Identifiers: ClinVar variation 2198659 (VCV002198659.2), dbSNP rs762770319, ClinGen allele CA1638612.
Genomic context (GRCh38, chr2:43,947,251, plus strand): 5'-GGTTTTTCTTATTGTTACCAAGAATTTTTTGCCTTAATAATATTTAAATATTAAAACAAA[T>C]GTTACCTCTTCTGAACAAAGCACTAATATGAGTTGCTTTAGGACATCTCTTATAGGTTGA-3'

ClinVar aggregate classification (germline): Uncertain significance. Review status: criteria provided, multiple submitters, no conflicts (2 of 4 stars). 2 submissions from 2 submitters: Uncertain significance (2). Last evaluated 2025-02-10.

Allele frequency attached by ClinVar (database versions not stated): TOPMed below 0.00001; ExAC 0.00001; gnomAD exomes 0.00001.
gnomAD v4.1: 11 of 1,410,020 alleles (0.00078%); highest among the groups gnomAD compares: Non-Finnish European, 0.0011%; no homozygotes.

Submissions (2):

Women's Health and Genetics/Laboratory Corporation of America, LabCorp
Classification: Uncertain significance. Last evaluated: 2025-02-10. Review status: criteria provided, single submitter. Criteria: LabCorp Variant Classification Summary - May 2015. Collection method: clinical testing. Allele origin: germline.

Labcorp Genetics (formerly Invitae), Labcorp
Classification: Uncertain significance. Last evaluated: 2022-06-28. Review status: criteria provided, single submitter. Criteria: Invitae Variant Classification Sherloc (09022015). Collection method: clinical testing. Allele origin: germline.
Comment: This sequence change falls in intron 20 of the LRPPRC gene. It does not directly change the encoded amino acid sequence of the LRPPRC protein. It affects a nucleotide within the consensus splice site. This variant is present in population databases (rs762770319, gnomAD 0.003%). This variant has not been reported in the literature in individuals affected with LRPPRC-related conditions. Variants that disrupt the consensus splice site are a relatively common cause of aberrant splicing (PMID: 17576681, 9536098). Algorithms developed to predict the effect of sequence changes on RNA splicing suggest that this variant is not likely to affect RNA splicing. In summary, the available evidence is currently insufficient to determine the role of this variant in disease. Therefore, it has been classified as a Variant of Uncertain Significance.

Literature cited by the submitters: PubMed 17576681 (cited by Labcorp Genetics (formerly Invitae), Labcorp); PubMed 9536098 (cited by Labcorp Genetics (formerly Invitae), Labcorp).